The following is an entry in ClinVar:

ClinVar aggregate classification (germline): Pathogenic (1 of 4 stars; one submission).

Conditions:
Chondrosarcoma. Also called: Chondrosarcoma, somatic. Identifiers: Orphanet 55880, MedGen C0008479, MONDO:0008977, OMIM 215300, HP:0006765.
Exostoses, multiple, type 1 (EXT1). Also called: Hereditary Multiple Osteochondromatosis, Type I; EXOSTOSES, MULTIPLE, TYPE I. Identifiers: MedGen CN263289, MONDO:0007585, OMIM 133700.

Submission:

Juno Genomics, Hangzhou Juno Genomics, Inc
Classification: Pathogenic for Chondrosarcoma; Exostoses, multiple, type 1. Review status: criteria provided, single submitter. Criteria: ACMG Guidelines, 2015. Collection method: clinical testing. Allele origin: germline. Affected: yes.
Comment: Absent from controls (or at extremely low frequency if recessive) in Genome Aggregation Database.;De novo (both maternity and paternity confirmed) in a patient with the disease and no family history.;Null variant in a gene where loss of function (LOF) is a known mechanism of disease.

NM_000127.3(EXT1):c.1740del (p.Val581fs)

Gene: EXT1 (exostosin glycosyltransferase 1; minus strand). Cytogenetic location: 8q24.11.
Variant type: Deletion.
Coding change: c.1740del on transcript NM_000127.3 (MANE Select); coding-DNA position 1740, one base deleted (A; older notation c.1740delA).
Protein change: p.Val581fs; shifts the reading frame from valine 581.
Molecular consequence: frameshift variant.
Genome position (GRCh38, 1-based): chr8:117,807,360, T deleted on the plus strand (A on the coding strand, the reverse complement: EXT1 is on the minus strand). VCF-style (leftmost placement, unchanged base first): chr8-117807359-CT-C. GRCh37 (hg19) VCF-style: chr8-118819598-CT-C.
Other names: short protein forms V581fs.
Identifiers: ClinVar variation 5019996 (VCV005019996.1).